The following is an entry in ClinVar:

ClinVar aggregate classification (germline): Pathogenic (1 of 4 stars; one submission).

Conditions:
Familial adenomatous polyposis 1 (FAP1). Also called: FAMILIAL ADENOMATOUS POLYPOSIS 1, ATTENUATED; POLYPOSIS, ADENOMATOUS INTESTINAL. Identifiers: MedGen C2713442, MONDO:0021056, OMIM 175100. Disease mechanism: loss of function.

Submission:

National Molecular Genetics Centre of Cancer Research, N.N. Alexandrov National Cancer Centre of Belarus
Classification: Pathogenic for Familial adenomatous polyposis 1. Review status: criteria provided, single submitter. Criteria: ACMG Guidelines, 2015. Collection method: clinical testing. Allele origin: germline. Inheritance: Autosomal dominant inheritance. Affected: yes.
Comment: This variant was classified as: Pathogenic. The following ACMG 2015 criteria were applied: PVS1 (frameshift), PM2 (absent in Gnomad), PP4 (phenotype and family history).

NM_000038.6(APC):c.3870del (p.Gln1291fs)

Gene: APC (APC regulator of Wnt signaling pathway; plus strand). Cytogenetic location: 5q22.2.
Variant type: Deletion.
Coding change: c.3870del on transcript NM_000038.6 (MANE Select); coding-DNA position 3870, one base deleted (T; older notation c.3870delT).
Protein change: p.Gln1291fs; shifts the reading frame from glutamine 1291.
Molecular consequence: frameshift variant. On other transcripts: non-coding transcript variant (2).
Genome position (GRCh38, 1-based): chr5:112,839,464, T deleted. VCF-style (leftmost placement, unchanged base first): chr5-112839463-AT-A. GRCh37 (hg19) VCF-style: chr5-112175160-AT-A.
Other names: c.3870del, p.Gln1291fs (NM_001127510.3, NM_001354895.2, NM_001407450.1); c.3816del, p.Gln1273fs (NM_001127511.3); c.3924del, p.Gln1309fs (NM_001354896.2, NM_001407447.1, NM_001407448.1 and 1 more transcripts); c.3900del, p.Gln1301fs (NM_001354897.2); c.3795del, p.Gln1266fs (NM_001354898.2); c.3786del, p.Gln1263fs (NM_001354899.2); c.3747del, p.Gln1250fs (NM_001354900.2); c.3693del, p.Gln1232fs (NM_001354901.2, NM_001407453.1); and 11 more; short protein forms Q1008fs, Q1131fs, Q1162fs, Q1165fs, Q1190fs, Q1200fs, Q1208fs, Q1232fs.
Identifiers: ClinVar variation 3600303 (VCV003600303.2).
Genomic context (GRCh38, chr5:112,839,463, plus strand): 5'-GTTTTTCAAGATGTAGTTCATTATCATCTTTGTCATCAGCTGAAGATGAAATAGGATGTA[AT>A]CAGACGACACAGGAAGCAGATTCTGCTAATACCCTGCAAATAGCAGAAATAAAAGAAAAG-3'